The following is an entry in ClinVar:

ClinVar aggregate classification (germline): Uncertain significance (1 of 4 stars; one submission).

Submission:

GeneDx
Classification: Uncertain significance. Last evaluated: 2019-09-21. Review status: criteria provided, single submitter. Criteria: GeneDx Variant Classification Process June 2021. Collection method: clinical testing. Allele origin: germline. Affected: yes.
Comment: Not observed in large population cohorts (Lek et al., 2016); In silico analysis, which includes protein predictors and evolutionary conservation, supports that this variant does not alter protein structure/function; Has not been previously published as pathogenic or benign to our knowledge

NM_005862.3(STAG1):c.1086A>T (p.Glu362Asp)

Gene: STAG1 (STAG1 cohesin complex component; minus strand). Cytogenetic location: 3q22.3.
Variant type: single nucleotide variant.
Coding change: c.1086A>T on transcript NM_005862.3 (MANE Select); coding-DNA position 1086, A replaced by T.
Protein change: p.Glu362Asp; replaces glutamic acid 362 with aspartic acid.
Molecular consequence: missense variant.
Genome position (GRCh38, 1-based): chr3:136,473,578, T>A on the plus strand (A>T on the coding strand, the complement: STAG1 is on the minus strand). VCF-style: chr3-136473578-T-A. GRCh37 (hg19) VCF-style: chr3-136192420-T-A.
Other names: short protein forms E362D.
Identifiers: ClinVar variation 1312377 (VCV001312377.2), dbSNP rs2089675763, ClinGen allele CA354651850.
Genomic context (GRCh38, chr3:136,473,578, plus strand): 5'-CTTATCATTCTTGATGCTTACCTTGAATCGGTTAGTGAATAGTTCCAATTTGGGGAATAA[T>A]TCTCTATTGGTATATAGACTCTGCAGAGCTTTCAAACACTTCAGCCTGACTTCCCCTTGC-3'
Protein context (NP_005853.2, residues 352-372): KALQSLYTNR[Glu362Asp]LFPKLELFTN